The following is an entry in ClinVar:

NM_000051.4(ATM):c.4776+1G>A

Gene: ATM (ATM serine/threonine kinase; plus strand). Cytogenetic location: 11q22.3.
Variant type: single nucleotide variant.
Coding change: c.4776+1G>A on transcript NM_000051.4 (MANE Select); the canonical splice donor site of the intron after coding-DNA position 4776, G replaced by A.
Molecular consequence: splice donor variant.
Genome position (GRCh38, 1-based): chr11:108,293,478, G>A. VCF-style: chr11-108293478-G-A. GRCh37 (hg19) VCF-style: chr11-108164205-G-A.
Other names: c.4776+1G>A (NM_001351834.2).
Identifiers: ClinVar variation 1742995 (VCV001742995.6), dbSNP rs771117943, ClinGen allele CA382535225.

ClinVar aggregate classification (germline): Pathogenic. Review status: criteria provided, multiple submitters, no conflicts (2 of 4 stars). 2 submissions from 2 submitters: Pathogenic (2). Last evaluated 2025-11-22.

Conditions:
Hereditary cancer-predisposing syndrome. Also called: Neoplastic Syndromes, Hereditary; Tumor predisposition; Hereditary Cancer Syndrome; Hereditary neoplastic syndrome. Identifiers: Orphanet 140162, MedGen C0027672, MeSH D009386, MONDO:0015356.
Ataxia-telangiectasia syndrome (AT). Also called: LOUIS-BAR SYNDROME; Cerebello-oculocutaneous telangiectasia; Immunodeficiency with ataxia telangiectasia; Ataxia-telangiectasia, complementation group D; AT, COMPLEMENTATION GROUP C; ATAXIA-TELANGIECTASIA, COMPLEMENTATION GROUP A. Identifiers: Orphanet 100, MedGen C0004135, MONDO:0008840, OMIM 208900.

gnomAD v4.1: 4 of 1,608,094 alleles (0.00025%); highest among the groups gnomAD compares: East Asian, 0.0022%; no homozygotes.

Submissions (2):

Ambry Genetics
Classification: Pathogenic for Hereditary cancer-predisposing syndrome. Last evaluated: 2025-11-22. Review status: criteria provided, single submitter. Criteria: Ambry Variant Classification Scheme 2023. Collection method: clinical testing. Allele origin: germline.
Comment: The c.4776+1G>A intronic pathogenic mutation results from a G to A substitution one nucleotide after coding exon 30 of the ATM gene. Alterations that disrupt the canonical splice site are expected to result in aberrant splicing. In silico splice site analysis predicts that this alteration will weaken the native splice donor site. The resulting transcript is predicted to be in-frame and is not expected to trigger nonsense-mediated mRNA decay; however, RNA studies have demonstrated that this alteration results in abnormal splicing in the set of samples tested (Ambry internal data). The exact functional effect of the altered amino acid sequence is unknown; however, the impacted region is critical for protein function (Ambry internal data). Several alterations at this donor site have been identified in individuals with ataxia-telangiectasia (Mitui M et al. Hum. Mutat. 2003; 22:43-50; Gilad S et al. Am. J. Hum. Genet. 1998; 62:551-61; Teraoka SN et al. Am. J. Hum. Genet. 1999; 64:1617-31) and have also been shown to cause abnormal splicing (Ambry internal data). As such, this alteration is classified as a disease-causing mutation.

Labcorp Genetics (formerly Invitae), Labcorp
Classification: Pathogenic for Ataxia-telangiectasia syndrome. Last evaluated: 2023-09-09. Review status: criteria provided, single submitter. Criteria: Invitae Variant Classification Sherloc (09022015). Collection method: clinical testing. Allele origin: germline.
Comment: Algorithms developed to predict the effect of variants on protein structure and function are not available or were not evaluated for this variant. For these reasons, this variant has been classified as Pathogenic. Studies have shown that disruption of this splice site results in skipping of 31, but is expected to preserve the integrity of the reading-frame (PMID: 31050087). Experimental studies have shown that disruption of this splice site affects ATM function (PMID: 2491181, 9497252). ClinVar contains an entry for this variant (Variation ID: 1742995). Disruption of this splice site has been observed in individuals with ataxia-telangiectasia (PMID: 9497252, 12815592). This variant is not present in population databases (gnomAD no frequency). This sequence change affects a donor splice site in intron 31 of the ATM gene. RNA analysis indicates that disruption of this splice site induces altered splicing and likely results in a shortened protein product.

Literature cited by the submitters: PubMed 31050087 (cited by Labcorp Genetics (formerly Invitae), Labcorp); PubMed 2491181 (cited by Labcorp Genetics (formerly Invitae), Labcorp); PubMed 9497252 (cited by Labcorp Genetics (formerly Invitae), Labcorp); PubMed 12815592 (cited by Labcorp Genetics (formerly Invitae), Labcorp).